The following is an entry in ClinVar:

ClinVar aggregate classification (germline): Uncertain significance (1 of 4 stars; one submission).

Conditions:
RYR1-related disorder. Also called: RYR1-related condition; RYR1-related disorders. Identifiers: MedGen CN239331.

Submission:

Labcorp Genetics (formerly Invitae), Labcorp
Classification: Uncertain significance for RYR1-related disorder. Last evaluated: 2022-09-06. Review status: criteria provided, single submitter. Criteria: Invitae Variant Classification Sherloc (09022015). Collection method: clinical testing. Allele origin: germline.
Comment: In summary, the available evidence is currently insufficient to determine the role of this variant in disease. Therefore, it has been classified as a Variant of Uncertain Significance. Algorithms developed to predict the effect of sequence changes on RNA splicing suggest that this variant may disrupt the consensus splice site. This variant has not been reported in the literature in individuals affected with RYR1-related conditions. This variant is not present in population databases (gnomAD no frequency). This sequence change falls in intron 71 of the RYR1 gene. It does not directly change the encoded amino acid sequence of the RYR1 protein.

NM_000540.3(RYR1):c.10627-26_10627-19del

Gene: RYR1 (ryanodine receptor 1; plus strand). Cytogenetic location: 19q13.2.
Variant type: Deletion.
Coding change: c.10627-26_10627-19del on transcript NM_000540.3 (MANE Select); 26 bases into the intron before coding-DNA position 10627 through 19 bases into the intron before coding-DNA position 10627, 8 bases deleted (GACCCAGC; older notation c.10627-26_10627-19delGACCCAGC).
Molecular consequence: intron variant.
Genome position (GRCh38, 1-based): chr19:38,526,967-38,526,974, GACCCAGC deleted. VCF-style (leftmost placement, unchanged base first): chr19-38526966-TGACCCAGC-T. GRCh37 (hg19) VCF-style: chr19-39017606-TGACCCAGC-T.
Other names: c.10612-26_10612-19del (NM_001042723.2).
Identifiers: ClinVar variation 2013999 (VCV002013999.4), dbSNP rs2514485092, ClinGen allele CA2580097189.
Genomic context (GRCh38, chr19:38,526,966, plus strand): 5'-GGGGTGCTGGGCCTGGAAGGAAAGGGTTGTGGGTCAGGAAGGAGGATGGGACCTCCAGAG[TGACCCAGC>T]CTGGCTCTGTCTCCCCAGAAAGACACAGATGAGGAGGTCCGGGAATTTCTGCACAACAAC-3'